The following is an entry in ClinVar:

NM_016562.4(TLR7):c.282C>G (p.Ile94Met)

Gene: TLR7 (toll like receptor 7; plus strand). Cytogenetic location: Xp22.2.
Variant type: single nucleotide variant.
Coding change: c.282C>G on transcript NM_016562.4 (MANE Select); coding-DNA position 282, C replaced by G.
Protein change: p.Ile94Met; replaces isoleucine 94 with methionine.
Molecular consequence: missense variant.
Genome position (GRCh38, 1-based): chrX:12,885,790, C>G. VCF-style: chrX-12885790-C-G. GRCh37 (hg19) VCF-style: chrX-12903909-C-G.
Other names: short protein forms I94M.
Identifiers: ClinVar variation 3675981 (VCV003675981.2).
Genomic context (GRCh38, chrX:12,885,790, plus strand): 5'-TAACCACATACCAGACATCTCCCCAGCGTCCTTTCACAGACTGGACCATCTGGTAGAGAT[C>G]GATTTCAGATGCAACTGTGTACCTATTCCACTGGGGTCAAAAAACAACATGTGCATCAAG-3'
Protein context (NP_057646.1, residues 84-104): SFHRLDHLVE[Ile94Met]DFRCNCVPIP

ClinVar aggregate classification (germline): Uncertain significance (1 of 4 stars; one submission).

gnomAD v4.1: 1 of 1,211,860 alleles (0.000083%); highest among the groups gnomAD compares: Non-Finnish European, 0.00011%; no homozygotes.

Submission:

Labcorp Genetics (formerly Invitae), Labcorp
Classification: Uncertain significance. Last evaluated: 2024-09-13. Review status: criteria provided, single submitter. Criteria: Invitae Variant Classification Sherloc (09022015). Collection method: clinical testing. Allele origin: germline.
Comment: This sequence change replaces isoleucine, which is neutral and non-polar, with methionine, which is neutral and non-polar, at codon 94 of the TLR7 protein (p.Ile94Met). This variant is not present in population databases (gnomAD no frequency). This variant has not been reported in the literature in individuals affected with TLR7-related conditions. An algorithm developed to predict the effect of missense changes on protein structure and function (PolyPhen-2) suggests that this variant is likely to be disruptive. In summary, the available evidence is currently insufficient to determine the role of this variant in disease. Therefore, it has been classified as a Variant of Uncertain Significance.